The following is an entry in ClinVar:

ClinVar aggregate classification (germline): Uncertain significance (1 of 4 stars; one submission).

Conditions:
Hereditary cancer-predisposing syndrome. Also called: Neoplastic Syndromes, Hereditary; Tumor predisposition; Hereditary Cancer Syndrome; Hereditary neoplastic syndrome. Identifiers: Orphanet 140162, MedGen C0027672, MeSH D009386, MONDO:0015356.

Submission:

Color Diagnostics, LLC DBA Color Health
Classification: Uncertain significance for Hereditary cancer-predisposing syndrome. Last evaluated: 2024-09-17. Review status: criteria provided, single submitter. Criteria: ACMG Guidelines, 2015. Collection method: clinical testing. Allele origin: germline.
Comment: This missense variant replaces glutamine with leucine at codon 496 of the CHEK2 protein. Computational prediction suggests that this variant may not impact protein structure and function (internally defined REVEL score threshold <= 0.5, PMID: 27666373). To our knowledge, functional studies have not been reported for this variant. This variant has not been reported in individuals affected with CHEK2-related disorders in the literature. This variant has not been identified in the general population by the Genome Aggregation Database (gnomAD). The available evidence is insufficient to determine the role of this variant in disease conclusively. Therefore, this variant is classified as a Variant of Uncertain Significance.

NM_007194.4(CHEK2):c.1487A>T (p.Gln496Leu)

Gene: CHEK2 (checkpoint kinase 2; minus strand). Cytogenetic location: 22q12.1.
Variant type: single nucleotide variant.
Coding change: c.1487A>T on transcript NM_007194.4 (MANE Select); coding-DNA position 1487, A replaced by T.
Protein change: p.Gln496Leu; replaces glutamine 496 with leucine.
Molecular consequence: missense variant.
Genome position (GRCh38, 1-based): chr22:28,689,190, T>A on the plus strand (A>T on the coding strand, the complement: CHEK2 is on the minus strand). VCF-style: chr22-28689190-T-A. GRCh37 (hg19) VCF-style: chr22-29085178-T-A.
Other names: c.1616A>T, p.Gln539Leu (NM_001005735.3); c.824A>T, p.Gln275Leu (NM_001257387.3); c.1286A>T, p.Gln429Leu (NM_001349956.3); c.1400A>T, p.Gln467Leu (NM_145862.3); short protein forms Q275L, Q429L, Q467L, Q496L, Q539L.
Identifiers: ClinVar variation 3894046 (VCV003894046.1).